The following is an entry in ClinVar:

NM_000054.7(AVPR2):c.673C>T (p.Gln225Ter)

Gene: AVPR2 (arginine vasopressin receptor 2; plus strand). Cytogenetic location: Xq28.
Variant type: single nucleotide variant.
Coding change: c.673C>T on transcript NM_000054.7 (MANE Select); coding-DNA position 673, C replaced by T.
Protein change: p.Gln225Ter; replaces glutamine 225 with a stop codon.
Molecular consequence: nonsense. On other transcripts: non-coding transcript variant (1).
Genome position (GRCh38, 1-based): chrX:153,906,179, C>T. VCF-style: chrX-153906179-C-T. GRCh37 (hg19) VCF-style: chrX-153171633-C-T.
Other names: c.673C>T, p.Gln225Ter (NM_001146151.3); short protein forms Q225*.
Identifiers: ClinVar variation 35743 (VCV000035743.3), dbSNP rs193922117, ClinGen allele CA260166.

ClinVar aggregate classification (germline): Likely pathogenic (1 of 4 stars; one submission).

Conditions:
Nephrogenic diabetes insipidus. Identifiers: Orphanet 223, MedGen C0162283, MONDO:0016383, HP:0009806.

Submission:

Women's Health and Genetics/Laboratory Corporation of America, LabCorp
Classification: Likely pathogenic for Nephrogenic Diabetes Insipidus. Last evaluated: 2011-08-18. Review status: criteria provided, single submitter. Criteria: LabCorp Variant Classification Summary - May 2015. Collection method: curation, clinical testing. Allele origin: germline. Inheritance: Xlinked recessive. Affected: yes. Observed: 2 variant alleles.
ClinVar note: Converted during submission from likely pathogenic to Likely pathogenic.

Literature cited by the submitters: PubMed 7933835; PubMed 16502494.